The following is an entry in ClinVar:

ClinVar aggregate classification (germline): Conflicting classifications of pathogenicity. Review status: criteria provided, conflicting classifications (1 of 4 stars). 2 submissions from 2 submitters: Uncertain significance (1); Likely benign (1). Last evaluated 2025-04-24.

Conditions:
Inborn genetic diseases. Identifiers: MedGen C0950123, MeSH D030342.
Joubert syndrome. Also called: CEREBELLOPARENCHYMAL DISORDER IV; JOUBERT-BOLTSHAUSER SYNDROME; Familial aplasia of the vermis. Identifiers: Orphanet 475, MedGen C5979921, MONDO:0018772.
Meckel-Gruber syndrome. Also called: DYSENCEPHALIA SPLANCHNOCYSTICA; GRUBER SYNDROME; Dysencephalia splachnocystica. Identifiers: Orphanet 564, MedGen C0265215, MONDO:0018921.

Allele frequency attached by ClinVar (database versions not stated): gnomAD exomes below 0.00001; gnomAD 0.00001; TOPMed 0.00001.
gnomAD v4.1: 2 of 1,604,394 alleles (0.00012%); highest among the groups gnomAD compares: Admixed American, 0.0033%; no homozygotes.

Submissions (2):

Ambry Genetics
Classification: Likely benign for Inborn genetic diseases. Last evaluated: 2025-04-24. Review status: criteria provided, single submitter. Criteria: Ambry Variant Classification Scheme 2023. Collection method: clinical testing. Allele origin: germline.

Labcorp Genetics (formerly Invitae), Labcorp
Classification: Uncertain significance for Joubert syndrome; Meckel-Gruber syndrome. Last evaluated: 2022-04-10. Review status: criteria provided, single submitter. Criteria: Invitae Variant Classification Sherloc (09022015). Collection method: clinical testing. Allele origin: germline.
Comment: This sequence change replaces alanine, which is neutral and non-polar, with valine, which is neutral and non-polar, at codon 183 of the RPGRIP1L protein (p.Ala183Val). This variant is present in population databases (no rsID available, gnomAD 0.006%). This variant has not been reported in the literature in individuals affected with RPGRIP1L-related conditions. Algorithms developed to predict the effect of missense changes on protein structure and function output the following: SIFT: "Tolerated"; PolyPhen-2: "Benign"; Align-GVGD: "Class C0". The valine amino acid residue is found in multiple mammalian species, which suggests that this missense change does not adversely affect protein function. In summary, the available evidence is currently insufficient to determine the role of this variant in disease. Therefore, it has been classified as a Variant of Uncertain Significance.

NM_015272.5(RPGRIP1L):c.548C>T (p.Ala183Val)

Gene: RPGRIP1L (RPGRIP1 like; minus strand). Cytogenetic location: 16q12.2.
Variant type: single nucleotide variant.
Coding change: c.548C>T on transcript NM_015272.5 (MANE Select); coding-DNA position 548, C replaced by T.
Protein change: p.Ala183Val; replaces alanine 183 with valine.
Molecular consequence: missense variant.
Genome position (GRCh38, 1-based): chr16:53,687,947, G>A on the plus strand (C>T on the coding strand, the complement: RPGRIP1L is on the minus strand). VCF-style: chr16-53687947-G-A. GRCh37 (hg19) VCF-style: chr16-53721859-G-A.
Other names: c.548C>T (NM_015272.2); c.548C>T, p.Ala183Val (NM_001127897.4, NM_001308334.3, NM_001330538.2); short protein forms A183V.
Identifiers: ClinVar variation 2149259 (VCV002149259.2), dbSNP rs1209593787, ClinGen allele CA395924550.